The following is an entry in ClinVar:

NM_001868.4(CPA1):c.265A>G (p.Met89Val)

Gene: CPA1 (carboxypeptidase A1; plus strand). Cytogenetic location: 7q32.2.
Variant type: single nucleotide variant.
Coding change: c.265A>G on transcript NM_001868.4 (MANE Select); coding-DNA position 265, A replaced by G.
Protein change: p.Met89Val; replaces methionine 89 with valine.
Molecular consequence: missense variant.
Genome position (GRCh38, 1-based): chr7:130,381,747, A>G. VCF-style: chr7-130381747-A-G. GRCh37 (hg19) VCF-style: chr7-130021588-A-G.
Other names: short protein forms M89V.
Identifiers: ClinVar variation 2563229 (VCV002563229.2), dbSNP rs2536005252, ClinGen allele CA369280061.

ClinVar aggregate classification (germline): Uncertain significance (1 of 4 stars; one submission).

Conditions:
Hereditary pancreatitis (PCTT). Also called: Hereditary chronic pancreatitis; PRSS1-Related Hereditary Pancreatitis. Identifiers: Orphanet 676, MedGen C0238339, MONDO:0008185, OMIM 167800.

Submission:

Ambry Genetics
Classification: Uncertain significance for Hereditary pancreatitis. Last evaluated: 2023-05-15. Review status: criteria provided, single submitter. Criteria: Ambry Variant Classification Scheme 2023. Collection method: clinical testing. Allele origin: germline.
Comment: The p.M89V variant (also known as c.265A>G), located in coding exon 3 of the CPA1 gene, results from an A to G substitution at nucleotide position 265. The methionine at codon 89 is replaced by valine, an amino acid with highly similar properties. This amino acid position is conserved. In addition, this alteration is predicted to be tolerated by in silico analysis. Since supporting evidence is limited at this time, the clinical significance of this alteration remains unclear.